The following is an entry in ClinVar:

NM_001943.5(DSG2):c.423del (p.Lys141fs)

Gene: DSG2 (desmoglein 2; plus strand). Cytogenetic location: 18q12.1.
Variant type: Deletion.
Coding change: c.423del on transcript NM_001943.5 (MANE Select); coding-DNA position 423, one base deleted (A; older notation c.423delA).
Protein change: p.Lys141fs; shifts the reading frame from lysine 141.
Molecular consequence: frameshift variant.
Genome position (GRCh38, 1-based): chr18:31,521,143, A deleted; the last of 3 consecutive A bases (chr18:31,521,141-31,521,143); deleting any one gives the same sequence. VCF-style (leftmost placement, unchanged base first): chr18-31521140-GA-G. GRCh37 (hg19) VCF-style: chr18-29101103-GA-G.
Other names: short protein forms K141fs.
Identifiers: ClinVar variation 1456782 (VCV001456782.6), dbSNP rs2073125384, ClinGen allele CA2293855457.

ClinVar aggregate classification (germline): Pathogenic (1 of 4 stars; one submission).

Conditions:
Arrhythmogenic right ventricular dysplasia 10. Also called: ARRHYTHMOGENIC RIGHT VENTRICULAR DYSPLASIA, FAMILIAL, 10; Arrhythmogenic Right Ventricular Dysplasia/Cardiomyopathy10; Arrhythmogenic right ventricular dysplasia/cardiomyopathy, type 10. Identifiers: MedGen C1857777, MONDO:0012434, OMIM 610193.

Submission:

Labcorp Genetics (formerly Invitae), Labcorp
Classification: Pathogenic for Arrhythmogenic right ventricular dysplasia 10. Last evaluated: 2022-01-06. Review status: criteria provided, single submitter. Criteria: Invitae Variant Classification Sherloc (09022015). Collection method: clinical testing. Allele origin: germline.
Comment: This sequence change creates a premature translational stop signal (p.Lys141Asnfs*3) in the DSG2 gene. It is expected to result in an absent or disrupted protein product. Loss-of-function variants in DSG2 are known to be pathogenic (PMID: 17105751, 31386562). This variant is not present in population databases (gnomAD no frequency). This variant has not been reported in the literature in individuals affected with DSG2-related conditions. For these reasons, this variant has been classified as Pathogenic.

Literature cited by the submitters: PubMed 17105751; PubMed 31386562.